The following is an entry in ClinVar:

NM_002187.3(IL12B):c.382T>A (p.Phe128Ile)

Gene: IL12B (interleukin 12B; minus strand). Cytogenetic location: 5q33.3.
Variant type: single nucleotide variant.
Coding change: c.382T>A on transcript NM_002187.3 (MANE Select); coding-DNA position 382, T replaced by A.
Protein change: p.Phe128Ile; replaces phenylalanine 128 with isoleucine.
Molecular consequence: missense variant.
Genome position (GRCh38, 1-based): chr5:159,322,494, A>T on the plus strand (T>A on the coding strand, the complement: IL12B is on the minus strand). VCF-style: chr5-159322494-A-T. GRCh37 (hg19) VCF-style: chr5-158749502-A-T.
Other names: short protein forms F128I.
Identifiers: ClinVar variation 1005516 (VCV001005516.8), dbSNP rs750634348, ClinGen allele CA3538813.
Genomic context (GRCh38, chr5:159,322,494, plus strand): 5'-TTGTCGTCAGCCACCAGCAGGTGAAACGTCCAGAATAATTCTTGGCCTCGCATCTTAGAA[A>T]GGTCTTATTTTTGGGTTCTGGATTTGAAAAAAACAAAAATTCAATATTTAGGAGTTTTTT-3'
Protein context (NP_002178.2, residues 118-138): KDQKEPKNKT[Phe128Ile]LRCEAKNYSG

ClinVar aggregate classification (germline): Uncertain significance (1 of 4 stars; one submission).

Conditions:
Mendelian susceptibility to mycobacterial diseases due to complete IL12B deficiency. Also called: IL12B DEFICIENCY; Immunodeficiency 29. Identifiers: Orphanet 319558, MedGen C4013948, MONDO:0013954, OMIM 614890.

Allele frequency attached by ClinVar (database versions not stated): gnomAD exomes below 0.00001 and 0.00001; ExAC 0.00001; gnomAD 0.00001; TOPMed 0.00001.

Submission:

Labcorp Genetics (formerly Invitae), Labcorp
Classification: Uncertain significance for Mendelian susceptibility to mycobacterial diseases due to complete IL12B deficiency. Last evaluated: 2020-07-30. Review status: criteria provided, single submitter. Criteria: Invitae Variant Classification Sherloc (09022015). Collection method: clinical testing. Allele origin: germline.
Comment: In summary, the available evidence is currently insufficient to determine the role of this variant in disease. Therefore, it has been classified as a Variant of Uncertain Significance. Algorithms developed to predict the effect of missense changes on protein structure and function are either unavailable or do not agree on the potential impact of this missense change (SIFT: "Deleterious"; PolyPhen-2: "Probably Damaging"; Align-GVGD: "Class C0"). This variant has not been reported in the literature in individuals with IL12B-related conditions. The frequency data for this variant in the population databases is considered unreliable, as metrics indicate poor data quality at this position in the ExAC database. This sequence change replaces phenylalanine with isoleucine at codon 128 of the IL12B protein (p.Phe128Ile). The phenylalanine residue is moderately conserved and there is a small physicochemical difference between phenylalanine and isoleucine.